The following is an entry in ClinVar:

ClinVar aggregate classification (germline): Uncertain significance (1 of 4 stars; one submission).

Conditions:
Febrile seizures, familial, 11 (FEB11). Also called: CONVULSIONS, FAMILIAL FEBRILE, 11. Identifiers: MedGen C3280734, MONDO:0024566, OMIM 614418.

Submission:

Labcorp Genetics (formerly Invitae), Labcorp
Classification: Uncertain significance for Febrile seizures, familial, 11. Last evaluated: 2025-05-12. Review status: criteria provided, single submitter. Criteria: Invitae Variant Classification Sherloc (09022015). Collection method: clinical testing. Allele origin: germline.
Comment: This sequence change falls in intron 2 of the CPA6 gene. It does not directly change the encoded amino acid sequence of the CPA6 protein. It affects a nucleotide within the consensus splice site. This variant is not present in population databases (gnomAD no frequency). This variant has not been reported in the literature in individuals affected with CPA6-related conditions. ClinVar contains an entry for this variant (Variation ID: 835528). Variants that disrupt the consensus splice site are a relatively common cause of aberrant splicing (PMID: 17576681, 9536098). Algorithms developed to predict the effect of sequence changes on RNA splicing suggest that this variant is not likely to affect RNA splicing. In summary, the available evidence is currently insufficient to determine the role of this variant in disease. Therefore, it has been classified as a Variant of Uncertain Significance.

Literature cited by the submitters: PubMed 17576681; PubMed 9536098.

NM_020361.5(CPA6):c.192+4A>C

Gene: CPA6 (carboxypeptidase A6; minus strand). Cytogenetic location: 8q13.2.
Variant type: single nucleotide variant.
Coding change: c.192+4A>C on transcript NM_020361.5 (MANE Select); 4 bases into the intron after coding-DNA position 192, A replaced by C.
Molecular consequence: intron variant.
Genome position (GRCh38, 1-based): chr8:67,624,172, T>G on the plus strand (A>C on the coding strand, the complement: CPA6 is on the minus strand). VCF-style: chr8-67624172-T-G. GRCh37 (hg19) VCF-style: chr8-68536407-T-G.
Identifiers: ClinVar variation 835528 (VCV000835528.7), dbSNP rs775478331, ClinGen allele CA178533965.